The following is an entry in ClinVar:

ClinVar aggregate classification (germline): Uncertain significance (1 of 4 stars; one submission).

Allele frequency attached by ClinVar (database versions not stated): gnomAD exomes 0.00001 and 0.00002; gnomAD 0.00003 and 0.00005; TOPMed 0.00003.
gnomAD v4.1: 35 of 1,614,044 alleles (0.0022%); highest among the groups gnomAD compares: Middle Eastern, 0.049%; no homozygotes.

Submission:

Labcorp Genetics (formerly Invitae), Labcorp
Classification: Uncertain significance. Last evaluated: 2022-07-26. Review status: criteria provided, single submitter. Criteria: Invitae Variant Classification Sherloc (09022015). Collection method: clinical testing. Allele origin: germline.
Comment: This sequence change replaces leucine, which is neutral and non-polar, with valine, which is neutral and non-polar, at codon 415 of the SLC24A1 protein (p.Leu415Val). This variant is present in population databases (rs568642329, gnomAD 0.002%). This variant has not been reported in the literature in individuals affected with SLC24A1-related conditions. ClinVar contains an entry for this variant (Variation ID: 1404518). Algorithms developed to predict the effect of missense changes on protein structure and function output the following: SIFT: "Tolerated"; PolyPhen-2: "Possibly Damaging"; Align-GVGD: "Class C0". The valine amino acid residue is found in multiple mammalian species, which suggests that this missense change does not adversely affect protein function. In summary, the available evidence is currently insufficient to determine the role of this variant in disease. Therefore, it has been classified as a Variant of Uncertain Significance.

NM_004727.3(SLC24A1):c.1243C>G (p.Leu415Val)

Gene: SLC24A1 (solute carrier family 24 member 1; plus strand). Cytogenetic location: 15q22.31.
Variant type: single nucleotide variant.
Coding change: c.1243C>G on transcript NM_004727.3 (MANE Select); coding-DNA position 1243, C replaced by G.
Protein change: p.Leu415Val; replaces leucine 415 with valine.
Molecular consequence: missense variant.
Genome position (GRCh38, 1-based): chr15:65,625,323, C>G. VCF-style: chr15-65625323-C-G. GRCh37 (hg19) VCF-style: chr15-65917661-C-G.
Other names: c.1243C>G, p.Leu415Val (NM_001301031.1, NM_001301032.1, NM_001301033.2); short protein forms L415V.
Identifiers: ClinVar variation 1404518 (VCV001404518.6), dbSNP rs568642329, ClinGen allele CA271588553.